The following is an entry in ClinVar:

ClinVar aggregate classification (germline): Conflicting classifications of pathogenicity. Review status: criteria provided, conflicting classifications (1 of 4 stars). 2 submissions from 2 submitters: Uncertain significance (1); Likely benign (1). Last evaluated 2025-10-21.

Conditions:
Bethlem myopathy 1A. Also called: MYOPATHY, BENIGN CONGENITAL, WITH CONTRACTURES; Bethlem Muscular Dystrophy; Bethlem myopathy 1. Identifiers: Orphanet 610, MedGen CN029274, MONDO:0024530, OMIM 158810.

Allele frequency attached by ClinVar (database versions not stated): gnomAD 0.00005 and 0.00006.
gnomAD v4.1: 20 of 1,607,702 alleles (0.0012%); highest among the groups gnomAD compares: African/African-American, 0.011%; no homozygotes.

Submissions (2):

Labcorp Genetics (formerly Invitae), Labcorp
Classification: Likely benign for Bethlem myopathy 1A. Last evaluated: 2025-10-21. Review status: criteria provided, single submitter. Criteria: Invitae Variant Classification Sherloc (09022015). Collection method: clinical testing. Allele origin: germline.

GeneDx
Classification: Uncertain significance. Last evaluated: 2024-12-10. Review status: criteria provided, single submitter. Criteria: GeneDx Variant Classification Process June 2021. Collection method: clinical testing. Allele origin: germline. Affected: yes.
Comment: In silico analysis indicates that this variant does not alter splicing; Has not been previously published as pathogenic or benign to our knowledge

NM_001849.4(COL6A2):c.525G>A (p.Leu175=)

Gene: COL6A2 (collagen type VI alpha 2 chain; plus strand). Cytogenetic location: 21q22.3.
Variant type: single nucleotide variant.
Coding change: c.525G>A on transcript NM_001849.4 (MANE Select); coding-DNA position 525, G replaced by A.
Protein change: p.Leu175=; no amino-acid change (leucine 175 retained).
Molecular consequence: synonymous variant.
Genome position (GRCh38, 1-based): chr21:46,112,388, G>A. VCF-style: chr21-46112388-G-A. GRCh37 (hg19) VCF-style: chr21-47532302-G-A.
Other names: c.525G>A, p.Leu175= (NM_058174.3, NM_058175.3).
Identifiers: ClinVar variation 706338 (VCV000706338.11), dbSNP rs754034094, ClinGen allele CA10071318.